The following is an entry in ClinVar:

NM_017780.4(CHD7):c.2872A>C (p.Ser958Arg)

Gene: CHD7 (chromodomain helicase DNA binding protein 7; plus strand). Cytogenetic location: 8q12.2.
Variant type: single nucleotide variant.
Coding change: c.2872A>C on transcript NM_017780.4 (MANE Select); coding-DNA position 2872, A replaced by C.
Protein change: p.Ser958Arg; replaces serine 958 with arginine.
Molecular consequence: missense variant. On other transcripts: intron variant (1).
Genome position (GRCh38, 1-based): chr8:60,822,060, A>C. VCF-style: chr8-60822060-A-C. GRCh37 (hg19) VCF-style: chr8-61734619-A-C.
Other names: c.1717-40169A>C (NM_001316690.1); short protein forms S958R.
Identifiers: ClinVar variation 1917424 (VCV001917424.5), dbSNP rs2487807184, ClinGen allele CA371308255.
Genomic context (GRCh38, chr8:60,822,060, plus strand): 5'-TGGGATTTACTATATTTGAAACAGGAGCGACCTCCTGCTGATGATTGGAAGAAATCGGAG[A>C]GTTCCAGGGAGTATAAAAACAATAACAAACTCAGGGAATACCAGTTGGAGGGAGTAAACT-3'
Protein context (NP_060250.2, residues 948-968): PPADDWKKSE[Ser958Arg]SREYKNNNKL

ClinVar aggregate classification (germline): Uncertain significance (1 of 4 stars; one submission).

Conditions:
CHARGE syndrome (CHARGE). Also called: Hittner Hirsch Kreh syndrome; CHARGE ASSOCIATION--COLOBOMA, HEART ANOMALY, CHOANAL ATRESIA, RETARDATION, GENITAL AND EAR ANOMALIES; Coloboma, heart anomaly, choanal atresia, retardation, genital and ear anomalies; CHARGE association; Hall-Hittner syndrome. Identifiers: Orphanet 138, MedGen C0265354, MONDO:0008965.

Submission:

Labcorp Genetics (formerly Invitae), Labcorp
Classification: Uncertain significance for CHARGE syndrome. Last evaluated: 2023-03-18. Review status: criteria provided, single submitter. Criteria: Invitae Variant Classification Sherloc (09022015). Collection method: clinical testing. Allele origin: germline.
Comment: This sequence change replaces serine, which is neutral and polar, with arginine, which is basic and polar, at codon 958 of the CHD7 protein (p.Ser958Arg). This variant is not present in population databases (gnomAD no frequency). In summary, the available evidence is currently insufficient to determine the role of this variant in disease. Therefore, it has been classified as a Variant of Uncertain Significance. Advanced modeling of protein sequence and biophysical properties (such as structural, functional, and spatial information, amino acid conservation, physicochemical variation, residue mobility, and thermodynamic stability) performed at Invitae indicates that this missense variant is not expected to disrupt CHD7 protein function. ClinVar contains an entry for this variant (Variation ID: 1917424). This variant has not been reported in the literature in individuals affected with CHD7-related conditions.